The following is an entry in ClinVar:

NM_001376013.1(EPB41):c.1002G>T (p.Gln334His)

Gene: EPB41 (erythrocyte membrane protein band 4.1; plus strand). Cytogenetic location: 1p35.3.
Variant type: single nucleotide variant.
Coding change: c.1002G>T on transcript NM_001376013.1 (MANE Select); coding-DNA position 1002, G replaced by T.
Protein change: p.Gln334His; replaces glutamine 334 with histidine.
Molecular consequence: missense variant.
Genome position (GRCh38, 1-based): chr1:29,018,320, G>T. VCF-style: chr1-29018320-G-T. GRCh37 (hg19) VCF-style: chr1-29344832-G-T.
Other names: p.Gln334His; c.1002G>T, p.Gln334His (NM_001166005.2, NM_001166006.2, NM_001376014.1 and 7 more transcripts); c.375G>T, p.Gln125His (NM_001166007.2, NM_001376022.1, NM_001376023.1 and 7 more transcripts); c.897G>T, p.Gln299His (NM_203343.3); short protein forms Q125H, Q299H, Q334H.
Identifiers: ClinVar variation 2683708 (VCV002683708.1), dbSNP rs778911723, ClinGen allele CA339527828.

ClinVar aggregate classification (germline): Uncertain significance (1 of 4 stars; one submission).

gnomAD v4.1: 1 of 1,614,144 alleles (0.000062%); highest among the groups gnomAD compares: Non-Finnish European, 0.000085%; no homozygotes.

Submission:

Mayo Clinic Laboratories, Mayo Clinic
Classification: Uncertain significance. Last evaluated: 2023-05-31. Review status: criteria provided, single submitter. Criteria: ACMG Guidelines, 2015. Collection method: clinical testing. Allele origin: germline. Observed: 1 variant allele.
Comment: PP3, PM2